The following is an entry in ClinVar:

ClinVar aggregate classification (germline): Uncertain significance (0 of 4 stars; one submission).

Conditions:
PLXNA1-related disorder. Also called: PLXNA1-related condition.

gnomAD v4.1: 14 of 1,613,094 alleles (0.00087%); highest among the groups gnomAD compares: Middle Eastern, 0.016%; no homozygotes.

Submission:

PreventionGenetics, part of Exact Sciences
Classification: Uncertain significance for PLXNA1-related condition. Last evaluated: 2024-05-10. Review status: no assertion criteria provided. Collection method: clinical testing. Allele origin: germline.
Comment: The PLXNA1 c.3946G>A variant is predicted to result in the amino acid substitution p.Gly1316Ser. To our knowledge, this variant has not been reported in the literature. This variant is reported in 0.0054% of alleles in individuals of East Asian descent in gnomAD. At this time, the clinical significance of this variant is uncertain due to the absence of conclusive functional and genetic evidence.

NM_032242.4(PLXNA1):c.3946G>A (p.Gly1316Ser)

Gene: PLXNA1 (plexin A1; plus strand). Cytogenetic location: 3q21.3.
Variant type: single nucleotide variant.
Coding change: c.3946G>A on transcript NM_032242.4 (MANE Select); coding-DNA position 3946, G replaced by A.
Protein change: p.Gly1316Ser; replaces glycine 1316 with serine.
Molecular consequence: missense variant.
Genome position (GRCh38, 1-based): chr3:127,020,252, G>A. VCF-style: chr3-127020252-G-A. GRCh37 (hg19) VCF-style: chr3-126739095-G-A.
Other names: short protein forms G1316S.
Identifiers: ClinVar variation 3353871 (VCV003353871.1).